The following is an entry in ClinVar:

ClinVar aggregate classification (germline): Uncertain significance. Review status: criteria provided, multiple submitters, no conflicts (2 of 4 stars). 4 submissions from 4 submitters: Uncertain significance (4). Last evaluated 2024-11-22.

Conditions:
Keratosis palmoplantaris striata 2. Also called: KERATODERMA, PALMOPLANTAR, STRIATE FORM II; STRIATE PALMOPLANTAR KERATODERMA II; Keratosis palmoplantaris striata II. Identifiers: MedGen C1852127, MONDO:0013034, OMIM 612908.
Lethal acantholytic epidermolysis bullosa (EBLA). Identifiers: Orphanet 158687, MedGen C1864826, MONDO:0012323, OMIM 609638.
Arrhythmogenic cardiomyopathy with wooly hair and keratoderma. Also called: Dilated cardiomyopathy with woolly hair and keratoderma; PALMOPLANTAR KERATODERMA WITH LEFT VENTRICULAR CARDIOMYOPATHY AND WOOLLY HAIR; Carvajal syndrome; Arrhythmogenic cardiomyopathy with woolly hair and keratoderma. Identifiers: Orphanet 65282, MedGen C1854063, MONDO:0011581, OMIM 605676.
Woolly hair-skin fragility syndrome (WHSF). Identifiers: Orphanet 293165, MedGen C1843292, MONDO:0957307, OMIM 620415.
Arrhythmogenic right ventricular dysplasia 8 (ARVD8). Also called: Arrhythmogenic Right Ventricular Dysplasia/Cardiomyopathy 8; ARRHYTHMOGENIC RIGHT VENTRICULAR DYSPLASIA, FAMILIAL, 8; ARRHYTHMOGENIC RIGHT VENTRICULAR CARDIOMYOPATHY 8. Identifiers: MedGen C1843896, MONDO:0011831, OMIM 607450.
Cardiomyopathy, dilated, with wooly hair, keratoderma, and tooth agenesis. Also called: Cardiomyopathy, dilated, with woolly hair, keratoderma, and tooth agenesis; Erythrokeratodermia-cardiomyopathy syndrome. Identifiers: Orphanet 476096, Orphanet 65282, MedGen C4014393, MONDO:0014355, OMIM 615821.
Cardiomyopathy (CMYO). Also called: Cardiomyopathies. Identifiers: Orphanet 167848, MedGen C0878544, MONDO:0004994, HP:0001638. Inheritance: Various modes of inheritance.

Allele frequency attached by ClinVar (database versions not stated): gnomAD exomes below 0.00001; ExAC 0.00001; TOPMed 0.00002.
gnomAD v4.1: 6 of 1,614,092 alleles (0.00037%); highest among the groups gnomAD compares: Non-Finnish European, 0.00051%; no homozygotes.

Submissions (4):

GeneDx
Classification: Uncertain significance. Last evaluated: 2024-11-22. Review status: criteria provided, single submitter. Criteria: GeneDx Variant Classification Process June 2021. Collection method: clinical testing. Allele origin: germline. Affected: yes.
Comment: Not observed at significant frequency in large population cohorts (gnomAD); In silico analysis supports that this missense variant has a deleterious effect on protein structure/function; Has not been previously published as pathogenic or benign to our knowledge

All of Us Research Program, National Institutes of Health
Classification: Uncertain significance for Arrhythmogenic cardiomyopathy with wooly hair and keratoderma. Last evaluated: 2024-04-16. Review status: criteria provided, single submitter. Criteria: ACMG Guidelines, 2015. Collection method: clinical testing. Allele origin: germline. Inheritance: Autosomal dominant inheritance. Observed: 4 variant alleles, 4 heterozygotes.
Comment: This missense variant replaces alanine with valine at codon 718 of the DSP protein. Computational prediction suggests that this variant may not impact protein structure and function (internally defined REVEL score threshold <= 0.5, PMID: 27666373). To our knowledge, functional studies have not been reported for this variant. This variant has not been reported in individuals affected with cardiovascular disorders in the literature. This variant has not been identified in the general population by the Genome Aggregation Database (gnomAD). The available evidence is insufficient to determine the role of this variant in disease conclusively. Therefore, this variant is classified as a Variant of Uncertain Significance.

This study involves interpretation of variants in research participants for the purpose of population health screening. Participant phenotype was not available at the time of variant classification. Additional details can be found in publication PMID: 35346344, PMCID: PMC8962531

Color Diagnostics, LLC DBA Color Health
Classification: Uncertain significance for Cardiomyopathy. Last evaluated: 2024-03-06. Review status: criteria provided, single submitter. Criteria: ACMG Guidelines, 2015. Collection method: clinical testing. Allele origin: germline.
Comment: This missense variant replaces alanine with valine at codon 718 of the DSP protein. Computational prediction suggests that this variant may not impact protein structure and function (internally defined REVEL score threshold <= 0.5, PMID: 27666373). To our knowledge, functional studies have not been reported for this variant. This variant has not been reported in individuals affected with cardiovascular disorders in the literature. This variant has not been identified in the general population by the Genome Aggregation Database (gnomAD). The available evidence is insufficient to determine the role of this variant in disease conclusively. Therefore, this variant is classified as a Variant of Uncertain Significance.

Fulgent Genetics
Classification: Uncertain significance for Arrhythmogenic cardiomyopathy with wooly hair and keratoderma; Arrhythmogenic right ventricular dysplasia 8; Lethal acantholytic epidermolysis bullosa; Keratosis palmoplantaris striata 2; Cardiomyopathy, dilated, with wooly hair, keratoderma, and tooth agenesis. Last evaluated: 2021-11-09. Review status: criteria provided, single submitter. Criteria: ACMG Guidelines, 2015. Collection method: clinical testing. Allele origin: unknown.

NM_004415.4(DSP):c.2153C>T (p.Ala718Val)

Gene: DSP (desmoplakin; plus strand). Cytogenetic location: 6p24.3.
Variant type: single nucleotide variant.
Coding change: c.2153C>T on transcript NM_004415.4 (MANE Select); coding-DNA position 2153, C replaced by T.
Protein change: p.Ala718Val; replaces alanine 718 with valine.
Molecular consequence: missense variant.
Genome position (GRCh38, 1-based): chr6:7,574,108, C>T. VCF-style: chr6-7574108-C-T. GRCh37 (hg19) VCF-style: chr6-7574341-C-T.
Other names: c.2153C>T, p.Ala718Val (NM_001319034.2, NM_001008844.3); short protein forms A718V.
Identifiers: ClinVar variation 1171598 (VCV001171598.8), dbSNP rs764290255, ClinGen allele CA032039.